The following is an entry in ClinVar:

ClinVar aggregate classification (germline): Likely pathogenic (1 of 4 stars; one submission).

Conditions:
Glycogen storage disease, type VII (GSD7). Also called: PFKM DEFICIENCY; TARUI DISEASE; GSD VII; MUSCLE PHOSPHOFRUCTOKINASE DEFICIENCY. Identifiers: Orphanet 371, MedGen C0017926, MONDO:0009295, OMIM 232800.

Submission:

Myriad Genetics, Inc.
Classification: Likely pathogenic for Glycogen storage disease, type VII. Last evaluated: 2022-03-31. Review status: criteria provided, single submitter. Criteria: Myriad Women's Health Autosomal Recessive and X-Linked Classification Criteria (2021). Collection method: clinical testing. Allele origin: unknown.
Comment: NM_001166686.1(PFKM):c.678_679delCC(L227Efs*10) is expected to be pathogenic in the context of glycogen storage disease type VII. This variant is predicted to lead to an abnormal or absent protein product due to the creation of a premature termination codon in PFKM, a gene where loss-of-function variants are known to be pathogenic. Please note: this variant was assessed in the context of healthy population screening.

NM_000289.6(PFKM):c.465_466del (p.Leu156fs)

Gene: PFKM (phosphofructokinase, muscle; plus strand). Cytogenetic location: 12q13.11.
Variant type: Deletion.
Coding change: c.465_466del on transcript NM_000289.6 (MANE Select); coding-DNA positions 465 to 466, 2 bases deleted (CC; older notation c.465_466delCC).
Protein change: p.Leu156fs; shifts the reading frame from leucine 156.
Molecular consequence: frameshift variant. On other transcripts: non-coding transcript variant (6).
Genome position (GRCh38, 1-based): chr12:48,133,352-48,133,353, CC deleted. VCF-style (leftmost placement, unchanged base first): chr12-48133351-ACC-A. GRCh37 (hg19) VCF-style: chr12-48527134-ACC-A.
Other names: c.678_679del, p.Leu227fs (NM_001166686.2, NM_001354737.1, NM_001354738.1 and 1 more transcripts); c.465_466del, p.Leu156fs (NM_001166687.2, NM_001166688.2, NM_001354742.2 and 4 more transcripts); c.774_775del, p.Leu259fs (NM_001354735.1, NM_001354736.1); c.609_610del, p.Leu204fs (NM_001354740.1); c.489_490del, p.Leu164fs (NM_001354741.2); c.378_379del, p.Leu127fs (NM_001354745.2); c.315_316del, p.Leu106fs (NM_001354747.2, NM_001354748.2); short protein forms L106fs, L127fs, L156fs, L164fs, L204fs, L227fs, L259fs.
Identifiers: ClinVar variation 1725759 (VCV001725759.2), dbSNP rs2498311124, ClinGen allele CA2580085489.